The following is an entry in ClinVar:

NM_022051.3(EGLN1):c.965G>T (p.Arg322Ile)

Gene: EGLN1 (egl-9 family hypoxia inducible factor 1; minus strand). Cytogenetic location: 1q42.2.
Variant type: single nucleotide variant.
Coding change: c.965G>T on transcript NM_022051.3 (MANE Select); coding-DNA position 965, G replaced by T.
Protein change: p.Arg322Ile; replaces arginine 322 with isoleucine.
Molecular consequence: missense variant.
Genome position (GRCh38, 1-based): chr1:231,374,026, C>A on the plus strand (G>T on the coding strand, the complement: EGLN1 is on the minus strand). VCF-style: chr1-231374026-C-A. GRCh37 (hg19) VCF-style: chr1-231509772-C-A.
Other names: c.965G>T, p.Arg322Ile (NM_001377260.1, NM_001377261.1); short protein forms R322I.
Identifiers: ClinVar variation 4247399 (VCV004247399.1).
Genomic context (GRCh38, chr1:231,374,026, plus strand): 5'-ATTAAGTTGCATACCTTGGCATCCCAGTCTTTATTAAGATAATATATACATGTCACACAT[C>A]TTCCATCTCCATTTGGATTATCAACATGACGTACATAACCCGTTCCATTGCCCGGATAAC-3'
Protein context (NP_071334.1, residues 312-332): RHVDNPNGDG[Arg322Ile]CVTCIYYLNK

ClinVar aggregate classification (germline): Uncertain significance (1 of 4 stars; one submission).

Submission:

Ambry Genetics
Classification: Uncertain significance. Last evaluated: 2025-08-10. Review status: criteria provided, single submitter. Criteria: Ambry Variant Classification Scheme 2023. Collection method: clinical testing. Allele origin: germline.
Comment: The p.R322I variant (also known as c.965G>T), located in coding exon 2 of the EGLN1 gene, results from a G to T substitution at nucleotide position 965. The arginine at codon 322 is replaced by isoleucine, an amino acid with similar properties. This amino acid position is conserved. In addition, this alteration is predicted to be deleterious by in silico analysis. Based on the available evidence, the clinical significance of this variant remains unclear.